The following is an entry in ClinVar:

ClinVar aggregate classification (germline): Uncertain significance. Review status: criteria provided, multiple submitters, no conflicts (2 of 4 stars). 3 submissions from 3 submitters: Uncertain significance (2). 1 of the submissions does not count toward it. Last evaluated 2025-10-18.

Conditions:
TBX3-related disorder. Also called: TBX3-related condition.
Inborn genetic diseases. Identifiers: MedGen C0950123, MeSH D030342.
Ulnar-mammary syndrome (UMS). Also called: SCHINZEL SYNDROME; PALLISTER ULNAR-MAMMARY SYNDROME; Ulnar-mammary syndrome of Pallister. Identifiers: Orphanet 3138, MedGen C1866994, MONDO:0008411, OMIM 181450.

Allele frequency attached by ClinVar (database versions not stated): gnomAD exomes below 0.00001 and 0.00001; gnomAD 0.00001; TOPMed 0.00002.

Submissions (3):

Ambry Genetics
Classification: Uncertain significance for Inborn genetic diseases. Last evaluated: 2025-10-18. Review status: criteria provided, single submitter. Criteria: Ambry Variant Classification Scheme 2023. Collection method: clinical testing. Allele origin: germline.

Labcorp Genetics (formerly Invitae), Labcorp
Classification: Uncertain significance for Ulnar-mammary syndrome. Last evaluated: 2021-10-29. Review status: criteria provided, single submitter. Criteria: Invitae Variant Classification Sherloc (09022015). Collection method: clinical testing. Allele origin: germline.
Comment: In summary, the available evidence is currently insufficient to determine the role of this variant in disease. Therefore, it has been classified as a Variant of Uncertain Significance. Algorithms developed to predict the effect of missense changes on protein structure and function (SIFT, PolyPhen-2, Align-GVGD) all suggest that this variant is likely to be tolerated. This variant has not been reported in the literature in individuals affected with TBX3-related conditions. The frequency data for this variant in the population databases is considered unreliable, as metrics indicate poor data quality at this position in the gnomAD database. This sequence change replaces alanine, which is neutral and non-polar, with serine, which is neutral and polar, at codon 547 of the TBX3 protein (p.Ala547Ser).

PreventionGenetics, part of Exact Sciences
Classification: Uncertain significance for TBX3-related condition. Last evaluated: 2024-03-06. Review status: no assertion criteria provided. Collection method: clinical testing. Allele origin: germline. Not counted in ClinVar's aggregate classification.
Comment: The TBX3 c.1699G>T variant is predicted to result in the amino acid substitution p.Ala567Ser. To our knowledge, this variant has not been reported in the literature. This variant is reported in 0.0092% of alleles in individuals of African descent in gnomAD. At this time, the clinical significance of this variant is uncertain due to the absence of conclusive functional and genetic evidence.

NM_005996.4(TBX3):c.1639G>T (p.Ala547Ser)

Gene: TBX3 (T-box transcription factor 3; minus strand). Cytogenetic location: 12q24.21.
Variant type: single nucleotide variant.
Coding change: c.1639G>T on transcript NM_005996.4 (MANE Select); coding-DNA position 1639, G replaced by T.
Protein change: p.Ala547Ser; replaces alanine 547 with serine.
Molecular consequence: missense variant.
Genome position (GRCh38, 1-based): chr12:114,674,236, C>A on the plus strand (G>T on the coding strand, the complement: TBX3 is on the minus strand). VCF-style: chr12-114674236-C-A. GRCh37 (hg19) VCF-style: chr12-115112041-C-A.
Other names: c.1639G>T (NM_005996.3); c.1699G>T, p.Ala567Ser (NM_016569.4); c.1699G>T (NM_016569.3); short protein forms A547S, A567S.
Identifiers: ClinVar variation 1382746 (VCV001382746.8), dbSNP rs1281379922, ClinGen allele CA386868532.